The following is an entry in ClinVar:

ClinVar aggregate classification (germline): Uncertain significance (1 of 4 stars; one submission).

Submission:

Labcorp Genetics (formerly Invitae), Labcorp
Classification: Uncertain significance. Last evaluated: 2022-03-10. Review status: criteria provided, single submitter. Criteria: Invitae Variant Classification Sherloc (09022015). Collection method: clinical testing. Allele origin: germline.
Comment: ClinVar contains an entry for this variant (Variation ID: 1062984). In summary, the available evidence is currently insufficient to determine the role of this variant in disease. Therefore, it has been classified as a Variant of Uncertain Significance. Algorithms developed to predict the effect of sequence changes on RNA splicing suggest that this variant may disrupt the consensus splice site. This variant has been observed in individual(s) with clinical features of USH2A-related conditions (Invitae). This variant is not present in population databases (gnomAD no frequency). This sequence change falls in intron 12 of the USH2A gene. It does not directly change the encoded amino acid sequence of the USH2A protein.

NM_206933.4(USH2A):c.2168-7T>G

Gene: USH2A (usherin; minus strand). Cytogenetic location: 1q41.
Variant type: single nucleotide variant.
Coding change: c.2168-7T>G on transcript NM_206933.4 (MANE Select); 7 bases into the intron before coding-DNA position 2168, T replaced by G.
Molecular consequence: intron variant.
Genome position (GRCh38, 1-based): chr1:216,247,233, A>C on the plus strand (T>G on the coding strand, the complement: USH2A is on the minus strand). VCF-style: chr1-216247233-A-C. GRCh37 (hg19) VCF-style: chr1-216420575-A-C.
Other names: c.2168-7T>G (NM_007123.6).
Identifiers: ClinVar variation 1062984 (VCV001062984.9), dbSNP rs2102546546, ClinGen allele CA2499214525.